The following is an entry in ClinVar:

NM_001352514.2(HLCS):c.1041del (p.Leu348fs)

Gene: HLCS (holocarboxylase synthetase; minus strand). Cytogenetic location: 21q22.13.
Variant type: Deletion.
Coding change: c.1041del on transcript NM_001352514.2 (MANE Select); coding-DNA position 1041, one base deleted (G; older notation c.1041delG).
Protein change: p.Leu348fs; shifts the reading frame from leucine 348.
Molecular consequence: frameshift variant. On other transcripts: non-coding transcript variant (2).
Genome position (GRCh38, 1-based): chr21:36,936,845, C deleted on the plus strand (G on the coding strand, the reverse complement: HLCS is on the minus strand). VCF-style (leftmost placement, unchanged base first): chr21-36936844-GC-G. GRCh37 (hg19) VCF-style: chr21-38309144-GC-G.
Other names: c.600del, p.Leu201fs (NM_000411.8, NM_001242784.3, NM_001242785.2 and 4 more transcripts); short protein forms L201fs, L348fs.
Identifiers: ClinVar variation 1724247 (VCV001724247.2), dbSNP rs2517578834, ClinGen allele CA2580098716.

ClinVar aggregate classification (germline): Likely pathogenic (1 of 4 stars; one submission).

Conditions:
Holocarboxylase synthetase deficiency. Also called: MULTIPLE CARBOXYLASE DEFICIENCY, EARLY ONSET. Identifiers: Orphanet 79242, MedGen C0268581, MONDO:0009666, OMIM 253270.

Submission:

Myriad Genetics, Inc.
Classification: Likely pathogenic for Holocarboxylase synthetase deficiency. Last evaluated: 2022-02-02. Review status: criteria provided, single submitter. Criteria: Myriad Women's Health Autosomal Recessive and X-Linked Classification Criteria (2021). Collection method: clinical testing. Allele origin: unknown.
Comment: NM_000411.6(HLCS):c.600delG(L201Wfs*57) is expected to be pathogenic in the context of holocarboxylase synthetase deficiency. This variant is predicted to lead to an abnormal or absent protein product due to the creation of a premature termination codon in HLCS, a gene where loss-of-function variants are known to be pathogenic. Please note: this variant was assessed in the context of healthy population screening.